The following is an entry in ClinVar:

NM_002662.5(PLD1):c.1957G>A (p.Val653Ile)

Gene: PLD1 (phospholipase D1; minus strand). Cytogenetic location: 3q26.31.
Variant type: single nucleotide variant.
Coding change: c.1957G>A on transcript NM_002662.5 (MANE Select); coding-DNA position 1957, G replaced by A.
Protein change: p.Val653Ile; replaces valine 653 with isoleucine.
Molecular consequence: missense variant.
Genome position (GRCh38, 1-based): chr3:171,677,605, C>T on the plus strand (G>A on the coding strand, the complement: PLD1 is on the minus strand). VCF-style: chr3-171677605-C-T. GRCh37 (hg19) VCF-style: chr3-171395395-C-T.
Other names: c.1843G>A, p.Val615Ile (NM_001130081.3); short protein forms V615I, V653I.
Identifiers: ClinVar variation 2243350 (VCV002243350.4), dbSNP rs890068626, ClinGen allele CA87724519.

ClinVar aggregate classification (germline): Uncertain significance. Review status: criteria provided, multiple submitters, no conflicts (2 of 4 stars). 2 submissions from 2 submitters: Uncertain significance (2). Last evaluated 2024-03-21.

Conditions:
Inborn genetic diseases. Identifiers: MedGen C0950123, MeSH D030342.

Allele frequency attached by ClinVar (database versions not stated): gnomAD exomes 0.00001.
gnomAD v4.1: 19 of 1,613,912 alleles (0.0012%); highest among the groups gnomAD compares: South Asian, 0.0022%; no homozygotes.

Submissions (2):

Labcorp Genetics (formerly Invitae), Labcorp
Classification: Uncertain significance. Last evaluated: 2024-03-21. Review status: criteria provided, single submitter. Criteria: Invitae Variant Classification Sherloc (09022015). Collection method: clinical testing. Allele origin: germline.
Comment: This sequence change replaces valine, which is neutral and non-polar, with isoleucine, which is neutral and non-polar, at codon 653 of the PLD1 protein (p.Val653Ile). This variant is present in population databases (no rsID available, gnomAD 0.006%). This variant has not been reported in the literature in individuals affected with PLD1-related conditions. ClinVar contains an entry for this variant (Variation ID: 2243350). Advanced modeling of protein sequence and biophysical properties (such as structural, functional, and spatial information, amino acid conservation, physicochemical variation, residue mobility, and thermodynamic stability) performed at Invitae indicates that this missense variant is not expected to disrupt PLD1 protein function with a negative predictive value of 80%. In summary, the available evidence is currently insufficient to determine the role of this variant in disease. Therefore, it has been classified as a Variant of Uncertain Significance.

Ambry Genetics
Classification: Uncertain significance for Inborn genetic diseases. Last evaluated: 2021-08-12. Review status: criteria provided, single submitter. Criteria: Ambry Variant Classification Scheme 2023. Collection method: clinical testing. Allele origin: germline.